The following is an entry in ClinVar:

ClinVar aggregate classification (germline): Uncertain significance (1 of 4 stars; one submission).

Allele frequency attached by ClinVar (database versions not stated): gnomAD exomes below 0.00001; gnomAD 0.00001.
gnomAD v4.1: 2 of 1,577,344 alleles (0.00013%); highest among the groups gnomAD compares: African/African-American, 0.0013%; no homozygotes.

Submission:

Labcorp Genetics (formerly Invitae), Labcorp
Classification: Uncertain significance. Last evaluated: 2022-07-12. Review status: criteria provided, single submitter. Criteria: Invitae Variant Classification Sherloc (09022015). Collection method: clinical testing. Allele origin: germline.
Comment: In summary, the available evidence is currently insufficient to determine the role of this variant in disease. Therefore, it has been classified as a Variant of Uncertain Significance. Algorithms developed to predict the effect of missense changes on protein structure and function (SIFT, PolyPhen-2, Align-GVGD) all suggest that this variant is likely to be tolerated. ClinVar contains an entry for this variant (Variation ID: 1351709). This variant has not been reported in the literature in individuals affected with CARMIL2-related conditions. This variant is not present in population databases (gnomAD no frequency). This sequence change replaces serine, which is neutral and polar, with asparagine, which is neutral and polar, at codon 256 of the CARMIL2 protein (p.Ser256Asn).

NM_001013838.3(CARMIL2):c.767G>A (p.Ser256Asn)

Gene: CARMIL2 (capping protein regulator and myosin 1 linker 2; plus strand). Cytogenetic location: 16q22.1.
Variant type: single nucleotide variant.
Coding change: c.767G>A on transcript NM_001013838.3 (MANE Select); coding-DNA position 767, G replaced by A.
Protein change: p.Ser256Asn; replaces serine 256 with asparagine.
Molecular consequence: missense variant.
Genome position (GRCh38, 1-based): chr16:67,647,378, G>A. VCF-style: chr16-67647378-G-A. GRCh37 (hg19) VCF-style: chr16-67681281-G-A.
Other names: c.767G>A, p.Ser256Asn (NM_001317026.3); short protein forms S256N.
Identifiers: ClinVar variation 1351709 (VCV001351709.6), dbSNP rs1597745086, ClinGen allele CA396332788.
Genomic context (GRCh38, chr16:67,647,378, plus strand): 5'-AGATTCTGCACATGATGAGTCAGTCATCACACCTGGAGGAGCTGGTGCTGGAGACCTGCA[G>A]CCTGAGGGGGTGAGGGGGACAGGGCAGGGCTTGGAGAGGAGAGTCTGGAGGCTTGGGACT-3'
Protein context (NP_001013860.1, residues 246-266): HLEELVLETC[Ser256Asn]LRGDFVRRLA